The following is an entry in ClinVar:

ClinVar aggregate classification (germline): Conflicting classifications of pathogenicity. Review status: criteria provided, conflicting classifications (1 of 4 stars). 5 submissions from 5 submitters: Uncertain significance (4); Likely benign (1). Last evaluated 2025-11-02.

Conditions:
Inborn genetic diseases. Identifiers: MedGen C0950123, MeSH D030342.
Erythrokeratodermia variabilis et progressiva 1 (EKVP1). Also called: ERYTHROKERATODERMIA FIGURATA, CONGENITAL FAMILIAL, IN PLAQUES; ERYTHROKERATODERMIA VARIABILIS WITH ERYTHEMA GYRATUM REPENS; ERYTHROKERATODERMIA, PROGRESSIVE SYMMETRIC. Identifiers: Orphanet 317, MedGen C4551486, MONDO:0033010, OMIM 133200.

Allele frequency attached by ClinVar (database versions not stated): gnomAD 0.00005 and 0.00006; TOPMed 0.00008.
gnomAD v4.1: 89 of 1,614,096 alleles (0.0055%); highest among the groups gnomAD compares: Admixed American, 0.023%; no homozygotes.

Submissions (5):

Labcorp Genetics (formerly Invitae), Labcorp
Classification: Uncertain significance. Last evaluated: 2025-11-02. Review status: criteria provided, single submitter. Criteria: Invitae Variant Classification Sherloc (09022015). Collection method: clinical testing. Allele origin: germline.
Comment: This sequence change replaces arginine, which is basic and polar, with histidine, which is basic and polar, at codon 98 of the GJB3 protein (p.Arg98His). This variant is present in population databases (rs201314683, gnomAD 0.02%). This missense change has been observed in individual(s) with autosomal dominant erythrokeratodermia variabilis (PMID: 35677558). ClinVar contains an entry for this variant (Variation ID: 179376). Invitae Evidence Modeling of protein sequence and biophysical properties (such as structural, functional, and spatial information, amino acid conservation, physicochemical variation, residue mobility, and thermodynamic stability) indicates that this missense variant is not expected to disrupt GJB3 protein function with a negative predictive value of 80%. In summary, the available evidence is currently insufficient to determine the role of this variant in disease. Therefore, it has been classified as a Variant of Uncertain Significance.

GeneDx
Classification: Uncertain significance. Last evaluated: 2025-07-25. Review status: criteria provided, single submitter. Criteria: GeneDx Variant Classification Process June 2021. Collection method: clinical testing. Allele origin: germline.
Comment: In silico analysis supports that this missense variant has a deleterious effect on protein structure/function; This variant is associated with the following publications: (PMID: 36531233, 35677558)

Ambry Genetics
Classification: Uncertain significance for Inborn genetic diseases. Last evaluated: 2022-03-03. Review status: criteria provided, single submitter. Criteria: Ambry Variant Classification Scheme 2023. Collection method: clinical testing. Allele origin: germline.

Illumina Laboratory Services, Illumina
Classification: Likely benign for Erythrokeratodermia variabilis et progressiva 1. Last evaluated: 2018-01-12. Review status: criteria provided, single submitter. Criteria: ICSL Variant Classification Criteria 13 December 2019. Collection method: clinical testing. Allele origin: germline.
Comment: This variant was observed in the ICSL laboratory as part of a predisposition screen in an ostensibly healthy population. It had not been previously curated by ICSL or reported in the Human Gene Mutation Database (HGMD: prior to June 1st, 2018), and was therefore a candidate for classification through an automated scoring system. Utilizing variant allele frequency, disease prevalence and penetrance estimates, and inheritance mode, an automated score was calculated to assess if this variant is too frequent to cause the disease. Based on the score and internal cut-off values, a variant classified as likely benign is not then subjected to further curation. The score for this variant resulted in a classification of likely benign for this disease.

Laboratory for Molecular Medicine, Mass General Brigham Personalized Medicine
Classification: Uncertain significance. Last evaluated: 2015-01-06. Review status: criteria provided, single submitter. Criteria: LMM Criteria. Collection method: clinical testing. Allele origin: germline. Observed: 2 variant alleles.
Comment: This variant has also been identifie d in 8/67672 of European chromosomes and 1/11600 Latino chromosomes by the Exome Aggregation Consortium (ExAC; dbSNP rs201314683 ). Computational prediction tools and conservation analysis do not provide stron g support for or against an impact to the protein. In summary, the clinical sign ificance of the p.Arg98His variant is uncertain.

Literature cited by the submitters: PubMed 35677558 (cited by Labcorp Genetics (formerly Invitae), Labcorp).

NM_024009.3(GJB3):c.293G>A (p.Arg98His)

Gene: GJB3 (gap junction protein beta 3; plus strand). Cytogenetic location: 1p34.3.
Variant type: single nucleotide variant.
Coding change: c.293G>A on transcript NM_024009.3 (MANE Select); coding-DNA position 293, G replaced by A.
Protein change: p.Arg98His; replaces arginine 98 with histidine.
Molecular consequence: missense variant.
Genome position (GRCh38, 1-based): chr1:34,785,055, G>A. VCF-style: chr1-34785055-G-A. GRCh37 (hg19) VCF-style: chr1-35250656-G-A.
Other names: c.293G>A, p.Arg98His (NM_001005752.2); short protein forms R98H.
Identifiers: ClinVar variation 179376 (VCV000179376.15), dbSNP rs201314683, ClinGen allele CA184299.